The following is an entry in ClinVar:

NM_001378183.1(PIEZO2):c.8535A>G (p.Lys2845=)

Gene: PIEZO2 (piezo type mechanosensitive ion channel component 2; minus strand). Cytogenetic location: 18p11.22.
Variant type: single nucleotide variant.
Coding change: c.8535A>G on transcript NM_001378183.1 (MANE Select); coding-DNA position 8535, A replaced by G.
Protein change: p.Lys2845=; no amino-acid change (lysine 2845 retained).
Molecular consequence: synonymous variant.
Genome position (GRCh38, 1-based): chr18:10,671,590, T>C on the plus strand (A>G on the coding strand, the complement: PIEZO2 is on the minus strand). VCF-style: chr18-10671590-T-C. GRCh37 (hg19) VCF-style: chr18-10671587-T-C.
Other names: c.8196A>G, p.Lys2732= (NM_022068.4).
Identifiers: ClinVar variation 560382 (VCV000560382.21), dbSNP rs149395405, ClinGen allele CA8891724.

ClinVar aggregate classification (germline): Likely benign. Review status: criteria provided, multiple submitters, no conflicts (2 of 4 stars). 4 submissions from 4 submitters: Likely benign (2). 2 of the submissions do not count toward it. Last evaluated 2026-02-01.

Conditions:
Congenital contracture. Also called: Congenital contractures. Identifiers: MedGen C0332878, MONDO:0022823, HP:0002803.
PIEZO2-related disorder. Also called: PIEZO2-related condition; PIEZO2-related disorders.

Allele frequency attached by ClinVar (database versions not stated): 1000 Genomes Project 30x 0.00016; 1000 Genomes Project 0.00020; TOPMed 0.00029; gnomAD exomes 0.00032 and 0.00044; ExAC 0.00040; gnomAD 0.00042; ESP Exome Variant Server 0.00085.
gnomAD v4.1: 538 of 1,613,940 alleles (0.033%); highest among the groups gnomAD compares: Non-Finnish European, 0.031%; 1 homozygote.

Submissions (4):

Labcorp Genetics (formerly Invitae), Labcorp
Classification: Likely benign. Last evaluated: 2026-02-01. Review status: criteria provided, single submitter. Criteria: Invitae Variant Classification Sherloc (09022015). Collection method: clinical testing. Allele origin: germline.

CeGaT Center for Human Genetics Tuebingen
Classification: Likely benign. Last evaluated: 2025-08-01. Review status: criteria provided, single submitter. Criteria: CeGaT Center For Human Genetics Tuebingen Variant Classification Criteria Version 2. Collection method: clinical testing. Allele origin: germline. Affected: yes. Observed: 1 variant allele.
Comment: PIEZO2: BP4, BP7

PreventionGenetics, part of Exact Sciences
Classification: Likely benign for PIEZO2-related condition. Last evaluated: 2019-06-27. Review status: no assertion criteria provided. Collection method: clinical testing. Allele origin: germline. Not counted in ClinVar's aggregate classification.
Comment: This variant is classified as likely benign based on ACMG/AMP sequence variant interpretation guidelines (Richards et al. 2015 PMID: 25741868, with internal and published modifications).

Institute of Human Genetics, University of Wuerzburg
Classification: Uncertain significance for Congenital contracture. Review status: no assertion criteria provided. Collection method: clinical testing. Allele origin: unknown. Not counted in ClinVar's aggregate classification.